The following is an entry in ClinVar:

ClinVar aggregate classification (germline): Benign/Likely benign. Review status: criteria provided, multiple submitters, no conflicts (2 of 4 stars). 8 submissions from 7 submitters: Benign (4); Likely benign (3). 1 of the submissions does not count toward it. Last evaluated 2026-05-12.

Conditions:
Hypothyroidism due to TSH receptor mutations. Also called: HYPOTHYROIDISM DUE TO UNRESPONSIVENESS TO THYROTROPIN; HYPOTHYROIDISM, CONGENITAL, DUE TO TSH RESISTANCE; HYPOTHYROIDISM, NONAUTOIMMUNE; THYROID-STIMULATING HORMONE, RESISTANCE TO; TSH RESISTANCE; Hypothyroidism, congenital, nongoitrous, 1. Identifiers: Orphanet 90673, MedGen C3493776, MONDO:0010142, OMIM 275200.
Familial hyperthyroidism due to mutations in TSH receptor. Also called: HYPERTHYROIDISM, CONGENITAL NONAUTOIMMUNE; HYPERTHYROIDISM, NONAUTOIMMUNE, AUTOSOMAL DOMINANT; TOXIC THYROID HYPERPLASIA, AUTOSOMAL DOMINANT. Identifiers: Orphanet 424, MedGen C1836706, MONDO:0012203, OMIM 609152.

Allele frequency attached by ClinVar (database versions not stated): 1000 Genomes Project 30x 0.01421; TOPMed 0.01504; 1000 Genomes Project 0.01577; ESP Exome Variant Server 0.01722.

Submissions (20):

Women's Health and Genetics/Laboratory Corporation of America, LabCorp
Classification: Benign. Last evaluated: 2026-05-12. Review status: criteria provided, single submitter. Criteria: LabCorp Variant Classification Summary - May 2015. Collection method: clinical testing. Allele origin: germline.

Labcorp Genetics (formerly Invitae), Labcorp
Classification: Benign. Last evaluated: 2026-01-28. Review status: criteria provided, single submitter. Criteria: Invitae Variant Classification Sherloc (09022015). Collection method: clinical testing. Allele origin: germline.

GeneDx
Classification: Likely benign. Last evaluated: 2019-03-19. Review status: criteria provided, single submitter. Criteria: GeneDx Variant Classification Process June 2021. Collection method: clinical testing. Allele origin: germline. Affected: yes.

Illumina Laboratory Services, Illumina
Classification: Benign for Familial hyperthyroidism due to mutations in TSH receptor. Last evaluated: 2018-01-13. Review status: criteria provided, single submitter. Criteria: ICSL Variant Classification Criteria 13 December 2019. Collection method: clinical testing. Allele origin: germline.
Comment: This variant was observed in the ICSL laboratory as part of a predisposition screen in an ostensibly healthy population. It had not been previously curated by ICSL or reported in the Human Gene Mutation Database (HGMD: prior to June 1st, 2018), and was therefore a candidate for classification through an automated scoring system. Utilizing variant allele frequency, disease prevalence and penetrance estimates, and inheritance mode, an automated score was calculated to assess if this variant is too frequent to cause the disease. Based on the score and internal cut-off values, a variant classified as benign is not then subjected to further curation. The score for this variant resulted in a classification of benign for this disease.

Illumina Laboratory Services, Illumina
Classification: Likely benign for Hypothyroidism due to TSH receptor mutations. Last evaluated: 2018-01-13. Review status: criteria provided, single submitter. Criteria: ICSL Variant Classification Criteria 13 December 2019. Collection method: clinical testing. Allele origin: germline.
Comment: This variant was observed in the ICSL laboratory as part of a predisposition screen in an ostensibly healthy population. It had not been previously curated by ICSL or reported in the Human Gene Mutation Database (HGMD: prior to June 1st, 2018), and was therefore a candidate for classification through an automated scoring system. Utilizing variant allele frequency, disease prevalence and penetrance estimates, and inheritance mode, an automated score was calculated to assess if this variant is too frequent to cause the disease. Based on the score and internal cut-off values, a variant classified as likely benign is not then subjected to further curation. The score for this variant resulted in a classification of likely benign for this disease.

Breakthrough Genomics
Classification: Likely benign. Review status: criteria provided, single submitter. Criteria: ACMG Guidelines, 2015. Collection method: not provided. Allele origin: germline. Inheritance: Autosomal recessive inheritance. Affected: yes.

PreventionGenetics, part of Exact Sciences
Classification: Benign. Review status: criteria provided, single submitter. Criteria: ACMG Guidelines, 2015. Collection method: clinical testing. Allele origin: germline.

Department of Pathology and Laboratory Medicine, Sinai Health System
Classification: Benign. Review status: no assertion criteria provided. Collection method: clinical testing. Allele origin: unknown. Affected: yes. Study: The Canadian Open Genetics Repository (COGR). Not counted in ClinVar's aggregate classification.
Comment: The TSHR p.Ala459Ala variant was identified in 5 of 194 proband chromosomes (frequency: 0.0258) from individuals with primary congenital hypothyroidism or autonomously functioning thyroid nodules (Alves_2010_PMID:21714466; Gabriel_1999_PMID:10487707). The variant was identified in dbSNP (ID: rs113951800), ClinVar (classified as likely benign by Illumina and as benign by PreventionGenetics) and LOVD 3.0 (classified as benign) but was not identified in Cosmic. The variant was identified in control databases in 4983 of 282856 chromosomes (63 homozygous) at a frequency of 0.017617 increasing the likelihood this could be a low frequency benign variant (Genome Aggregation Database March 6, 2019, v2.1.1). The variant was observed in the following populations: South Asian in 1259 of 30616 chromosomes (freq: 0.04112), European (non-Finnish) in 2690 of 129178 chromosomes (freq: 0.02082), Ashkenazi Jewish in 184 of 10370 chromosomes (freq: 0.01774), Other in 126 of 7224 chromosomes (freq: 0.01744), European (Finnish) in 344 of 25112 chromosomes (freq: 0.0137), Latino in 256 of 35440 chromosomes (freq: 0.007223), African in 108 of 24966 chromosomes (freq: 0.004326), and East Asian in 16 of 19950 chromosomes (freq: 0.000802). The p.Ala459Ala variant is not expected to have clinical significance because it does not result in a change of amino acid and is not located in a known consensus splice site. However, four of four in silico or computational prediction software programs (SpliceSiteFinder, MaxEntScan, NNSPLICE, GeneSplicer) predict a greater than 10% difference in splicing and the creation of a new 3' splice site. However, this has not been confirmed through RNA analysis and is not predictive enough to assume pathogenicity. In summary, based on the above information this variant meets our laboratory's criteria to be classified as benign.

Dr. Peter K. Rogan Lab, Western University
No classification provided (evidence only). Condition: Clear cell carcinoma of kidney. Review status: no classification provided. Collection method: in vitro. Allele origin: not applicable. Functional consequence: retained intron. Not counted in ClinVar's aggregate classification.

Dr. Peter K. Rogan Lab, Western University
No classification provided (evidence only). Condition: Melanoma. Review status: no classification provided. Collection method: in vitro. Allele origin: not applicable. Functional consequence: retained intron. Not counted in ClinVar's aggregate classification.

Dr. Peter K. Rogan Lab, Western University
No classification provided (evidence only). Condition: Melanoma. Review status: no classification provided. Collection method: in vitro. Allele origin: not applicable. Functional consequence: retained intron. Not counted in ClinVar's aggregate classification.

Dr. Peter K. Rogan Lab, Western University
No classification provided (evidence only). Condition: Acute myeloid leukemia. Review status: no classification provided. Collection method: in vitro. Allele origin: not applicable. Functional consequence: retained intron. Not counted in ClinVar's aggregate classification.

Dr. Peter K. Rogan Lab, Western University
No classification provided (evidence only). Condition: Acute myeloid leukemia. Review status: no classification provided. Collection method: in vitro. Allele origin: not applicable. Functional consequence: retained intron. Not counted in ClinVar's aggregate classification.

Dr. Peter K. Rogan Lab, Western University
No classification provided (evidence only). Condition: Thyroid cancer, nonmedullary, 1. Review status: no classification provided. Collection method: in vitro. Allele origin: not applicable. Functional consequence: retained intron. Not counted in ClinVar's aggregate classification.

Dr. Peter K. Rogan Lab, Western University
No classification provided (evidence only). Condition: Cervical cancer. Review status: no classification provided. Collection method: in vitro. Allele origin: not applicable. Functional consequence: retained intron. Not counted in ClinVar's aggregate classification.

Dr. Peter K. Rogan Lab, Western University
No classification provided (evidence only). Condition: Nonpapillary renal cell carcinoma. Review status: no classification provided. Collection method: in vitro. Allele origin: not applicable. Functional consequence: retained intron. Not counted in ClinVar's aggregate classification.

Dr. Peter K. Rogan Lab, Western University
No classification provided (evidence only). Condition: Thymoma. Review status: no classification provided. Collection method: in vitro. Allele origin: not applicable. Functional consequence: retained intron. Not counted in ClinVar's aggregate classification.

Dr. Peter K. Rogan Lab, Western University
No classification provided (evidence only). Condition: Ovarian serous cystadenocarcinoma. Review status: no classification provided. Collection method: in vitro. Allele origin: not applicable. Functional consequence: retained intron. Not counted in ClinVar's aggregate classification.

Dr. Peter K. Rogan Lab, Western University
No classification provided (evidence only). Condition: Ovarian serous cystadenocarcinoma. Review status: no classification provided. Collection method: in vitro. Allele origin: not applicable. Functional consequence: retained intron. Not counted in ClinVar's aggregate classification.

Dr. Peter K. Rogan Lab, Western University
No classification provided (evidence only). Condition: Gastric cancer. Review status: no classification provided. Collection method: in vitro. Allele origin: not applicable. Functional consequence: retained intron. Not counted in ClinVar's aggregate classification.

NM_000369.5(TSHR):c.1377G>A (p.Ala459=)

Genes: TSHR (thyroid stimulating hormone receptor; plus strand), TSHR-AS1 (TSHR antisense RNA 1; minus strand). Cytogenetic location: 14q31.1.
Variant type: single nucleotide variant.
Coding change: c.1377G>A on transcript NM_000369.5 (MANE Select); coding-DNA position 1377, G replaced by A.
Protein change: p.Ala459=; no amino-acid change (alanine 459 retained).
Molecular consequence: synonymous variant.
Genome position (GRCh38, 1-based): chr14:81,143,435, G>A. VCF-style: chr14-81143435-G-A. GRCh37 (hg19) VCF-style: chr14-81609779-G-A.
Identifiers: ClinVar variation 255951 (VCV000255951.16), dbSNP rs113951800, ClinGen allele CA7294448.